The following is an entry in ClinVar:

NM_019892.6(INPP5E):c.893del (p.Asn298fs)

Gene: INPP5E (inositol polyphosphate-5-phosphatase E; minus strand). Cytogenetic location: 9q34.3.
Variant type: Deletion.
Coding change: c.893del on transcript NM_019892.6 (MANE Select); coding-DNA position 893, one base deleted (A; older notation c.893delA).
Protein change: p.Asn298fs; shifts the reading frame from asparagine 298.
Molecular consequence: frameshift variant.
Genome position (GRCh38, 1-based): chr9:136,434,783, T deleted on the plus strand (A on the coding strand, the reverse complement: INPP5E is on the minus strand); the first of 2 consecutive T bases (chr9:136,434,783-136,434,784); deleting either gives the same sequence. VCF-style (leftmost placement, unchanged base first): chr9-136434782-GT-G. GRCh37 (hg19) VCF-style: chr9-139329234-GT-G.
Other names: c.893del, p.Asn298fs (NM_001318502.2); short protein forms N298fs.
Identifiers: ClinVar variation 4734048 (VCV004734048.1).
Genomic context (GRCh38, chr9:136,434,782, plus strand): 5'-CCACCCACAGCCACTCACCTTCTGGCCCTGCATGTTCCAGGTGGCCACGAAGAGTGCCAC[GT>G]TCCGGTCTGGGAAGTAGCGGGCCAGCTCATCCGCCCCCAACAGGGCCCCGCTGGCCAGGA-3'

ClinVar aggregate classification (germline): Pathogenic (1 of 4 stars; one submission).

Conditions:
Joubert syndrome. Also called: CEREBELLOPARENCHYMAL DISORDER IV; JOUBERT-BOLTSHAUSER SYNDROME; Familial aplasia of the vermis. Identifiers: Orphanet 475, MedGen C5979921, MONDO:0018772.

Submission:

Labcorp Genetics (formerly Invitae), Labcorp
Classification: Pathogenic for Joubert syndrome. Last evaluated: 2026-01-04. Review status: criteria provided, single submitter. Criteria: Invitae Variant Classification Sherloc (09022015). Collection method: clinical testing. Allele origin: germline.
Comment: This sequence change creates a premature translational stop signal (p.Asn298Thrfs*96) in the INPP5E gene. It is expected to result in an absent or disrupted protein product. Loss-of-function variants in INPP5E are known to be pathogenic (PMID: 19668216, 23034536, 23386033, 28125082, 29555955). This variant is not present in population databases (gnomAD no frequency). This variant has not been reported in the literature in individuals affected with INPP5E-related conditions. For these reasons, this variant has been classified as Pathogenic.

Literature cited by the submitters: PubMed 19668216; PubMed 23034536; PubMed 23386033; PubMed 28125082; PubMed 29555955.